The following is an entry in ClinVar:

NM_000435.3(NOTCH3):c.4639C>G (p.Leu1547Val)

Gene: NOTCH3 (notch receptor 3; minus strand). Cytogenetic location: 19p13.12.
Variant type: single nucleotide variant.
Coding change: c.4639C>G on transcript NM_000435.3 (MANE Select); coding-DNA position 4639, C replaced by G.
Protein change: p.Leu1547Val; replaces leucine 1547 with valine.
Molecular consequence: missense variant.
Genome position (GRCh38, 1-based): chr19:15,174,165, G>C on the plus strand (C>G on the coding strand, the complement: NOTCH3 is on the minus strand). VCF-style: chr19-15174165-G-C. GRCh37 (hg19) VCF-style: chr19-15284976-G-C.
Other names: short protein forms L1547V.
Identifiers: ClinVar variation 522478 (VCV000522478.53), dbSNP rs150037063, ClinGen allele CA9262878.

ClinVar aggregate classification (germline): Conflicting classifications of pathogenicity. Review status: criteria provided, conflicting classifications (1 of 4 stars). 7 submissions from 7 submitters: Uncertain significance (1); Benign (2); Likely benign (3). 1 of the submissions does not count toward it. Last evaluated 2026-03-01.

Conditions:
Cerebral arteriopathy, autosomal dominant, with subcortical infarcts and leukoencephalopathy, type 1 (CADASIL1). Also called: CADASIL 1; DEMENTIA, HEREDITARY MULTIINFARCT TYPE; CASIL; Cerebral arteriopathy with subcortical infarcts and leukoencephalopathy 1. Identifiers: Orphanet 136, MedGen C4551768, MONDO:0000914, OMIM 125310.
NOTCH3-related disorder. Also called: NOTCH3-related condition; NOTCH3-related disorders.

Allele frequency attached by ClinVar (database versions not stated): ESP Exome Variant Server 0.00031; TOPMed 0.00031; gnomAD exomes 0.00036 and 0.00042; gnomAD 0.00041 and 0.00043; ExAC 0.00051.
gnomAD v4.1: 575 of 1,609,774 alleles (0.036%); highest among the groups gnomAD compares: Non-Finnish European, 0.044%; 1 homozygote.

Submissions (7):

CeGaT Center for Human Genetics Tuebingen
Classification: Likely benign. Last evaluated: 2026-03-01. Review status: criteria provided, single submitter. Criteria: CeGaT Center For Human Genetics Tuebingen Variant Classification Criteria Version 2. Collection method: clinical testing. Allele origin: germline. Affected: yes. Observed: 11 variant alleles.
Comment: NOTCH3: BS2

Labcorp Genetics (formerly Invitae), Labcorp
Classification: Benign. Last evaluated: 2025-12-30. Review status: criteria provided, single submitter. Criteria: Invitae Variant Classification Sherloc (09022015). Collection method: clinical testing. Allele origin: germline.

Athena Diagnostics
Classification: Benign. Last evaluated: 2025-06-27. Review status: criteria provided, single submitter. Criteria: Athena Diagnostics Criteria. Collection method: clinical testing. Allele origin: unknown.
Comment: The frequency of this variant in the general population is higher than would generally be expected for pathogenic variants in this gene. Computational tools predict this amino acid change may be benign.

Blueprint Genetics
Classification: Likely benign. Last evaluated: 2024-11-28. Review status: criteria provided, single submitter. Criteria: ACMG Guidelines, 2015. Collection method: clinical testing. Allele origin: germline.

PreventionGenetics, part of Exact Sciences
Classification: Likely benign for NOTCH3-related condition. Last evaluated: 2024-10-08. Review status: criteria provided, single submitter. Criteria: ACMG Guidelines, 2015. Collection method: clinical testing. Allele origin: germline.
Comment: This variant is classified as likely benign based on ACMG/AMP sequence variant interpretation guidelines (Richards et al. 2015 PMID: 25741868, with internal and published modifications).

Illumina Laboratory Services, Illumina
Classification: Uncertain significance for Cerebral arteriopathy, autosomal dominant, with subcortical infarcts and leukoencephalopathy, type 1. Last evaluated: 2017-04-27. Review status: criteria provided, single submitter. Criteria: ICSL Variant Classification Criteria 13 December 2019. Collection method: clinical testing. Allele origin: germline.
Comment: This variant was observed as part of a predisposition screen in an ostensibly healthy population. A literature search was performed for the gene, cDNA change, and amino acid change (where applicable). Publications were found based on this search. However, the evidence from the literature, in combination with allele frequency data from public databases where available, was not sufficient to rule this variant in or out of causing disease. Therefore, this variant is classified as a variant of unknown significance.

Bioscientia Institut fuer Medizinische Diagnostik GmbH, Sonic Healthcare
Classification: Uncertain significance for Cerebral arteriopathy, autosomal dominant, with subcortical infarcts and leukoencephalopathy, type 1. Last evaluated: 2017-09-18. Review status: no assertion criteria provided. Collection method: clinical testing. Allele origin: germline. Affected: yes. Not counted in ClinVar's aggregate classification.

Literature cited by the submitters: PubMed 24086431 (cited by Athena Diagnostics and Illumina Laboratory Services, Illumina).